The following is an entry in ClinVar:

ClinVar aggregate classification (germline): Uncertain significance (1 of 4 stars; one submission).

Conditions:
Immunodeficiency 67. Also called: Immunodeficiency due to interleukin-1 receptor-associated kinase-4 deficiency. Identifiers: Orphanet 70592, MedGen C1843256, MONDO:0011888, OMIM 607676.

Submission:

Labcorp Genetics (formerly Invitae), Labcorp
Classification: Uncertain significance for Immunodeficiency 67. Last evaluated: 2024-07-13. Review status: criteria provided, single submitter. Criteria: Invitae Variant Classification Sherloc (09022015). Collection method: clinical testing. Allele origin: germline.
Comment: This sequence change replaces glycine, which is neutral and non-polar, with glutamic acid, which is acidic and polar, at codon 196 of the IRAK4 protein (p.Gly196Glu). This variant is not present in population databases (gnomAD no frequency). This variant has not been reported in the literature in individuals affected with IRAK4-related conditions. Advanced modeling of protein sequence and biophysical properties (such as structural, functional, and spatial information, amino acid conservation, physicochemical variation, residue mobility, and thermodynamic stability) performed at Invitae indicates that this missense variant is not expected to disrupt IRAK4 protein function with a negative predictive value of 80%. In summary, the available evidence is currently insufficient to determine the role of this variant in disease. Therefore, it has been classified as a Variant of Uncertain Significance.

NM_016123.4(IRAK4):c.587G>A (p.Gly196Glu)

Gene: IRAK4 (interleukin 1 receptor associated kinase 4; plus strand). Cytogenetic location: 12q12.
Variant type: single nucleotide variant.
Coding change: c.587G>A on transcript NM_016123.4 (MANE Select); coding-DNA position 587, G replaced by A.
Protein change: p.Gly196Glu; replaces glycine 196 with glutamic acid.
Molecular consequence: missense variant. On other transcripts: intron variant (2).
Genome position (GRCh38, 1-based): chr12:43,773,008, G>A. VCF-style: chr12-43773008-G-A. GRCh37 (hg19) VCF-style: chr12-44166811-G-A.
Other names: c.587G>A, p.Gly196Glu (NM_001114182.3, NM_001351345.2); c.215G>A, p.Gly72Glu (NM_001145256.2, NM_001145257.2, NM_001145258.2 and 5 more transcripts); c.42+22G>A (NM_001351343.2, NM_001351344.2); short protein forms G72E, G196E.
Identifiers: ClinVar variation 3659438 (VCV003659438.2).